The following is an entry in ClinVar:

NM_003239.5(TGFB3):c.926+2T>G

Gene: TGFB3 (transforming growth factor beta 3; minus strand). Cytogenetic location: 14q24.3.
Variant type: single nucleotide variant.
Coding change: c.926+2T>G on transcript NM_003239.5 (MANE Select); the canonical splice donor site of the intron after coding-DNA position 926, T replaced by G.
Molecular consequence: splice donor variant. On other transcripts: stop lost (1).
Genome position (GRCh38, 1-based): chr14:75,963,314, A>C on the plus strand (T>G on the coding strand, the complement: TGFB3 is on the minus strand). VCF-style: chr14-75963314-A-C. GRCh37 (hg19) VCF-style: chr14-76429657-A-C.
Other names: c.928T>G, p.Ter310Gly (NM_001329938.2); c.926+2T>G (NM_001329939.2).
Identifiers: ClinVar variation 3905866 (VCV003905866.10).

ClinVar aggregate classification (germline): Pathogenic (1 of 4 stars; one submission).

Submission:

CeGaT Center for Human Genetics Tuebingen
Classification: Pathogenic. Last evaluated: 2025-05-01. Review status: criteria provided, single submitter. Criteria: CeGaT Center For Human Genetics Tuebingen Variant Classification Criteria Version 2. Collection method: clinical testing. Allele origin: germline. Affected: yes. Observed: 1 variant allele.
Comment: TGFB3: PVS1, PM2